The following is an entry in ClinVar:

ClinVar aggregate classification (germline): Uncertain significance. Review status: criteria provided, multiple submitters, no conflicts (2 of 4 stars). 2 submissions from 2 submitters: Uncertain significance (2). Last evaluated 2025-05-27.

Conditions:
Hereditary cancer-predisposing syndrome. Also called: Neoplastic Syndromes, Hereditary; Hereditary neoplastic syndrome; Tumor predisposition; Hereditary Cancer Syndrome. Identifiers: Orphanet 140162, MedGen C0027672, MeSH D009386, MONDO:0015356.
Tuberous sclerosis 2 (TSC2). Identifiers: Orphanet 805, MedGen C1860707, MONDO:0013199, OMIM 613254.

Allele frequency attached by ClinVar (database versions not stated): TOPMed below 0.00001.

Submissions (2):

Ambry Genetics
Classification: Uncertain significance for Hereditary cancer-predisposing syndrome. Last evaluated: 2025-05-27. Review status: criteria provided, single submitter. Criteria: Ambry Variant Classification Scheme 2023. Collection method: clinical testing. Allele origin: germline.
Comment: The p.H763Q variant (also known as c.2289C>G), located in coding exon 20 of the TSC2 gene, results from a C to G substitution at nucleotide position 2289. The histidine at codon 763 is replaced by glutamine, an amino acid with highly similar properties. This amino acid position is conserved. In addition, the in silico prediction for this alteration is inconclusive. Based on the available evidence, the clinical significance of this variant remains unclear.

Labcorp Genetics (formerly Invitae), Labcorp
Classification: Uncertain significance for Tuberous sclerosis 2. Last evaluated: 2024-10-16. Review status: criteria provided, single submitter. Criteria: Invitae Variant Classification Sherloc (09022015). Collection method: clinical testing. Allele origin: germline.
Comment: This sequence change replaces histidine, which is basic and polar, with glutamine, which is neutral and polar, at codon 763 of the TSC2 protein (p.His763Gln). This variant is not present in population databases (gnomAD no frequency). This variant has not been reported in the literature in individuals affected with TSC2-related conditions. ClinVar contains an entry for this variant (Variation ID: 846564). Invitae Evidence Modeling of protein sequence and biophysical properties (such as structural, functional, and spatial information, amino acid conservation, physicochemical variation, residue mobility, and thermodynamic stability) indicates that this missense variant is not expected to disrupt TSC2 protein function with a negative predictive value of 95%. In summary, the available evidence is currently insufficient to determine the role of this variant in disease. Therefore, it has been classified as a Variant of Uncertain Significance.

NM_000548.5(TSC2):c.2289C>G (p.His763Gln)

Gene: TSC2 (TSC complex subunit 2; plus strand). Cytogenetic location: 16p13.3.
Variant type: single nucleotide variant.
Coding change: c.2289C>G on transcript NM_000548.5 (MANE Select); coding-DNA position 2289, C replaced by G.
Protein change: p.His763Gln; replaces histidine 763 with glutamine.
Molecular consequence: missense variant.
Genome position (GRCh38, 1-based): chr16:2,072,917, C>G. VCF-style: chr16-2072917-C-G. GRCh37 (hg19) VCF-style: chr16-2122918-C-G.
Other names: c.2289C>G, p.His763Gln (NM_001077183.3, NM_001114382.3, NM_001363528.2 and 3 more transcripts); c.2178C>G, p.His726Gln (NM_001318827.2); c.2142C>G, p.His714Gln (NM_001318829.2); c.1689C>G, p.His563Gln (NM_001318831.2); c.2322C>G, p.His774Gln (NM_001318832.2); short protein forms H563Q, H714Q, H763Q, H726Q, H774Q.
Identifiers: ClinVar variation 846564 (VCV000846564.10), dbSNP rs1319959937, ClinGen allele CA394276589.